The following is an entry in ClinVar:

ClinVar aggregate classification (germline): Likely benign. Review status: criteria provided, single submitter (1 of 4 stars). 3 submissions from 3 submitters: Likely benign (1). 2 of the submissions do not count toward it. Last evaluated 2024-02-29.

Conditions:
Autosomal recessive polycystic kidney disease (ARPKD). Also called: AR polycystic kidney disease. Identifiers: Orphanet 731, Orphanet 8378, MedGen C0085548, MeSH D017044, MONDO:0009889.
PKHD1-related disorder. Also called: PKHD1-related condition.

Allele frequency attached by ClinVar (database versions not stated): TOPMed 0.00001; gnomAD 0.00003.
gnomAD v4.1: 17 of 1,614,122 alleles (0.0011%); highest among the groups gnomAD compares: Non-Finnish European, 0.001%; no homozygotes.

Submissions (3):

Labcorp Genetics (formerly Invitae), Labcorp
Classification: Likely benign for Autosomal recessive polycystic kidney disease. Last evaluated: 2024-02-29. Review status: criteria provided, single submitter. Criteria: Invitae Variant Classification Sherloc (09022015). Collection method: clinical testing. Allele origin: germline.

Natera, Inc.
Classification: Likely benign for Autosomal recessive polycystic kidney disease. Last evaluated: 2021-04-18. Review status: no assertion criteria provided. Collection method: clinical testing. Allele origin: germline. Not counted in ClinVar's aggregate classification.

PreventionGenetics, part of Exact Sciences
Classification: Likely benign for PKHD1-related condition. Last evaluated: 2019-06-21. Review status: no assertion criteria provided. Collection method: clinical testing. Allele origin: germline. Not counted in ClinVar's aggregate classification.
Comment: This variant is classified as likely benign based on ACMG/AMP sequence variant interpretation guidelines (Richards et al. 2015 PMID: 25741868, with internal and published modifications).

NM_138694.4(PKHD1):c.12021C>G (p.Leu4007=)

Gene: PKHD1 (PKHD1 ciliary IPT domain containing fibrocystin/polyductin; minus strand). Cytogenetic location: 6p12.3.
Variant type: single nucleotide variant.
Coding change: c.12021C>G on transcript NM_138694.4 (MANE Select); coding-DNA position 12021, C replaced by G.
Protein change: p.Leu4007=; no amino-acid change (leucine 4007 retained).
Molecular consequence: synonymous variant.
Genome position (GRCh38, 1-based): chr6:51,619,285, G>C on the plus strand (C>G on the coding strand, the complement: PKHD1 is on the minus strand). VCF-style: chr6-51619285-G-C. GRCh37 (hg19) VCF-style: chr6-51484083-G-C.
Identifiers: ClinVar variation 699154 (VCV000699154.18), dbSNP rs761543328, ClinGen allele CA450612774.